The following is an entry in ClinVar:

ClinVar aggregate classification (germline): Uncertain significance (1 of 4 stars; one submission).

gnomAD v4.1: 1 of 1,613,760 alleles (0.000062%); highest among the groups gnomAD compares: African/African-American, 0.0013%; no homozygotes.

Submission:

Labcorp Genetics (formerly Invitae), Labcorp
Classification: Uncertain significance. Last evaluated: 2025-11-27. Review status: criteria provided, single submitter. Criteria: Invitae Variant Classification Sherloc (09022015). Collection method: clinical testing. Allele origin: germline.
Comment: This sequence change replaces alanine, which is neutral and non-polar, with valine, which is neutral and non-polar, at codon 24 of the HMCN1 protein (p.Ala24Val). This variant is not present in population databases (gnomAD no frequency). This variant has not been reported in the literature in individuals affected with HMCN1-related conditions. An algorithm developed to predict the effect of missense changes on protein structure and function (PolyPhen-2) suggests that this variant is likely to be tolerated. In summary, the available evidence is currently insufficient to determine the role of this variant in disease. Therefore, it has been classified as a Variant of Uncertain Significance.

NM_031935.3(HMCN1):c.71C>T (p.Ala24Val)

Gene: HMCN1 (hemicentin 1; plus strand). Cytogenetic location: 1q25.3.
Variant type: single nucleotide variant.
Coding change: c.71C>T on transcript NM_031935.3 (MANE Select); coding-DNA position 71, C replaced by T.
Protein change: p.Ala24Val; replaces alanine 24 with valine.
Molecular consequence: missense variant.
Genome position (GRCh38, 1-based): chr1:185,734,850, C>T. VCF-style: chr1-185734850-C-T. GRCh37 (hg19) VCF-style: chr1-185703982-C-T.
Other names: short protein forms A24V.
Identifiers: ClinVar variation 4694629 (VCV004694629.1).
Genomic context (GRCh38, chr1:185,734,850, plus strand): 5'-GGGAAGTTGTCCATACAGTATTCCTGTTTGCTCTTCTTTATTCTTCCCTAGCTCAAGATG[C>T]GAGCCCCCAGTCAGAGATCAGAGCTGAGGAAATTCCCGAGGGGGCCTCCACGTTGGCTTT-3'
Protein context (NP_114141.2, residues 14-34): ALLYSSLAQD[Ala24Val]SPQSEIRAEE